The following is an entry in ClinVar:

ClinVar aggregate classification (germline): Uncertain significance (1 of 4 stars; one submission).

Conditions:
Catecholaminergic polymorphic ventricular tachycardia 1. Also called: VENTRICULAR TACHYCARDIA, CATECHOLAMINERGIC POLYMORPHIC, 1, WITH OR WITHOUT ATRIAL DYSFUNCTION AND/OR DILATED CARDIOMYOPATHY; VENTRICULAR TACHYCARDIA, STRESS-INDUCED POLYMORPHIC 1; RYR2-Related Catecholaminergic Polymorphic Ventricular Tachycardia. Identifiers: Orphanet 3286, MedGen C1631597, MONDO:0011484, OMIM 604772.

Submission:

Labcorp Genetics (formerly Invitae), Labcorp
Classification: Uncertain significance for Catecholaminergic polymorphic ventricular tachycardia 1. Last evaluated: 2022-07-19. Review status: criteria provided, single submitter. Criteria: Invitae Variant Classification Sherloc (09022015). Collection method: clinical testing. Allele origin: germline.
Comment: This sequence change replaces methionine, which is neutral and non-polar, with isoleucine, which is neutral and non-polar, at codon 399 of the RYR2 protein (p.Met399Ile). This variant is not present in population databases (gnomAD no frequency). This variant has not been reported in the literature in individuals affected with RYR2-related conditions. Advanced modeling of protein sequence and biophysical properties (such as structural, functional, and spatial information, amino acid conservation, physicochemical variation, residue mobility, and thermodynamic stability) performed at Invitae indicates that this missense variant is expected to disrupt RYR2 protein function. In summary, the available evidence is currently insufficient to determine the role of this variant in disease. Therefore, it has been classified as a Variant of Uncertain Significance.

NM_001035.3(RYR2):c.1197G>C (p.Met399Ile)

Gene: RYR2 (ryanodine receptor 2; plus strand). Cytogenetic location: 1q43.
Variant type: single nucleotide variant.
Coding change: c.1197G>C on transcript NM_001035.3 (MANE Select); coding-DNA position 1197, G replaced by C.
Protein change: p.Met399Ile; replaces methionine 399 with isoleucine.
Molecular consequence: missense variant.
Genome position (GRCh38, 1-based): chr1:237,445,427, G>C. VCF-style: chr1-237445427-G-C. GRCh37 (hg19) VCF-style: chr1-237608727-G-C.
Other names: short protein forms M399I.
Identifiers: ClinVar variation 1719827 (VCV001719827.6), dbSNP rs727503397, ClinGen allele CA345377481.
Genomic context (GRCh38, chr1:237,445,427, plus strand): 5'-TGGGAGTAATGGCCTTATTTTTGCTTTCTTACAGGCTATTATGCATCATGAAGGCCACAT[G>C]GATGATGGCATAAGTTTGTCGAGATCCCAGCATGAAGAATCACGCACAGCCCGAGTTATC-3'
Protein context (NP_001026.2, residues 389-409): RKAIMHHEGH[Met399Ile]DDGISLSRSQ